The following is an entry in ClinVar:

NM_005257.6(GATA6):c.1350_1358del (p.Thr451_Thr453del)

Gene: GATA6 (GATA binding protein 6; plus strand). Cytogenetic location: 18q11.2.
Variant type: Deletion.
Coding change: c.1350_1358del on transcript NM_005257.6 (MANE Select); coding-DNA positions 1350 to 1358, 9 bases deleted (AACTACCAC; older notation c.1350_1358delAACTACCAC).
Protein change: p.Thr451_Thr453del.
Molecular consequence: inframe deletion.
Genome position (GRCh38, 1-based): chr18:22,181,500-22,181,508, AACTACCAC deleted; deleting any 9 consecutive bases within chr18:22,181,495-22,181,508 gives the same sequence; the c. name uses the placement nearest the transcript's 3' end. VCF-style (leftmost placement, unchanged base first): chr18-22181494-CACCACAACT-C. GRCh37 (hg19) VCF-style: chr18-19761455-CACCACAACT-C.
Identifiers: ClinVar variation 1018135 (VCV001018135.8), dbSNP rs2033195426, ClinGen allele CA2289551885.

ClinVar aggregate classification (germline): Uncertain significance (1 of 4 stars; one submission).

Conditions:
Atrioventricular septal defect 5 (AVSD5). Identifiers: MedGen C3280939, MONDO:0013769, OMIM 614474.

Submission:

Labcorp Genetics (formerly Invitae), Labcorp
Classification: Uncertain significance for Atrioventricular septal defect 5. Last evaluated: 2022-03-03. Review status: criteria provided, single submitter. Criteria: Invitae Variant Classification Sherloc (09022015). Collection method: clinical testing. Allele origin: germline.
Comment: ClinVar contains an entry for this variant (Variation ID: 1018135). Experimental studies and prediction algorithms are not available or were not evaluated, and the functional significance of this variant is currently unknown. In summary, the available evidence is currently insufficient to determine the role of this variant in disease. Therefore, it has been classified as a Variant of Uncertain Significance. This variant has been observed in individual(s) with clinical features of GATA6-related conditions (Invitae). In at least one individual the variant was observed to be de novo. This variant, c.1350_1358del, results in the deletion of 3 amino acid(s) of the GATA6 protein (p.Thr451_Thr453del), but otherwise preserves the integrity of the reading frame. This variant is not present in population databases (gnomAD no frequency).